The following is an entry in ClinVar:

ClinVar aggregate classification (germline): Pathogenic (1 of 4 stars; one submission).

Conditions:
Early-infantile DEE. Also called: Early infantile epileptic encephalopathy with suppression bursts; Early infantile epileptic encephalopathy; Ohtahara syndrome. Identifiers: Orphanet 1934, MedGen C0393706, MONDO:0800491.

Submission:

Labcorp Genetics (formerly Invitae), Labcorp
Classification: Pathogenic for Early-infantile DEE. Last evaluated: 2023-11-25. Review status: criteria provided, single submitter. Criteria: Invitae Variant Classification Sherloc (09022015). Collection method: clinical testing. Allele origin: germline.
Comment: This sequence change replaces serine, which is neutral and polar, with proline, which is neutral and non-polar, at codon 340 of the SCN1A protein (p.Ser340Pro). This variant is not present in population databases (gnomAD no frequency). This missense change has been observed in individual(s) with clinical features of SCN1A-related conditions (Invitae). In at least one individual the variant was observed to be de novo. ClinVar contains an entry for this variant (Variation ID: 1393116). Advanced modeling of protein sequence and biophysical properties (such as structural, functional, and spatial information, amino acid conservation, physicochemical variation, residue mobility, and thermodynamic stability) performed at Invitae indicates that this missense variant is expected to disrupt SCN1A protein function with a positive predictive value of 95%. This variant disrupts the p.Ser340 amino acid residue in SCN1A. Other variant(s) that disrupt this residue have been observed in individuals with SCN1A-related conditions (PMID: 18930999), which suggests that this may be a clinically significant amino acid residue. For these reasons, this variant has been classified as Pathogenic.

Literature cited by the submitters: PubMed 18930999.

NM_001165963.4(SCN1A):c.1018T>C (p.Ser340Pro)

Gene: SCN1A (sodium voltage-gated channel alpha subunit 1; minus strand). Cytogenetic location: 2q24.3.
Variant type: single nucleotide variant.
Coding change: c.1018T>C on transcript NM_001165963.4 (MANE Select); coding-DNA position 1018, T replaced by C.
Protein change: p.Ser340Pro; replaces serine 340 with proline.
Molecular consequence: missense variant. On other transcripts: 5 prime UTR variant (1), non-coding transcript variant (1).
Genome position (GRCh38, 1-based): chr2:166,048,896, A>G on the plus strand (T>C on the coding strand, the complement: SCN1A is on the minus strand). VCF-style: chr2-166048896-A-G. GRCh37 (hg19) VCF-style: chr2-166905406-A-G.
Other names: c.1018T>C, p.Ser340Pro (NM_001165964.3, NM_001202435.3, NM_001353948.2 and 10 more transcripts); c.-1408T>C (NM_001353961.2); short protein forms S340P.
Identifiers: ClinVar variation 1393116 (VCV001393116.7), dbSNP rs2105874088, ClinGen allele CA349071569.